The following is an entry in ClinVar:

NM_001009944.3(PKD1):c.6405G>A (p.Ala2135=)

Gene: PKD1 (polycystin 1, transient receptor potential channel interacting; minus strand). Cytogenetic location: 16p13.3.
Variant type: single nucleotide variant.
Coding change: c.6405G>A on transcript NM_001009944.3 (MANE Select); coding-DNA position 6405, G replaced by A.
Protein change: p.Ala2135=; no amino-acid change (alanine 2135 retained).
Molecular consequence: synonymous variant.
Genome position (GRCh38, 1-based): chr16:2,108,762, C>T on the plus strand (G>A on the coding strand, the complement: PKD1 is on the minus strand). VCF-style: chr16-2108762-C-T. GRCh37 (hg19) VCF-style: chr16-2158763-C-T.
Other names: c.6405G>A, p.Ala2135= (NM_000296.4).
Identifiers: ClinVar variation 3354846 (VCV003354846.2).
Genomic context (GRCh38, chr16:2,108,762, plus strand): 5'-CAGGACCACGTCCACCTCCGGCTCCCGGCAGGCCAGCACCTGGACGGTCACCGTGGCCTG[C>T]GCCACGAAGAAGCTCACCAGGTTGGAGGCGTTCACCTGCACGCGGTAGTCCCCAGGCCTC-3'
Protein context (NP_001009944.3, residues 2125-2145): NASNLVSFFV[Ala2135=]QATVTVQVLA

ClinVar aggregate classification (germline): Likely benign. Review status: criteria provided, single submitter (1 of 4 stars). 2 submissions from 2 submitters: Likely benign (1). 1 of the submissions does not count toward it. Last evaluated 2024-02-01.

Conditions:
PKD1-related disorder. Also called: PKD1-related condition.
Polycystic kidney disease, adult type (PKD1). Also called: Polycystic Kidney, Autosomal Dominant; POLYCYSTIC KIDNEY DISEASE 1 WITH OR WITHOUT POLYCYSTIC LIVER DISEASE; POLYCYSTIC KIDNEY DISEASE, ADULT, TYPE I; Polycystic Kidney Disease 1, Autosomal Dominant; Polycystic kidney disease 1; Polycystic kidney disease 1, severe. Identifiers: MedGen C3149841, MONDO:0008263, OMIM 173900.

gnomAD v4.1: 64 of 1,570,248 alleles (0.0041%); highest among the groups gnomAD compares: Non-Finnish European, 0.0048%; no homozygotes.

Submissions (2):

Department of Pathology and Laboratory Medicine, Sinai Health System
Classification: Likely benign for Polycystic kidney disease, adult type. Last evaluated: 2024-02-01. Review status: criteria provided, single submitter. Criteria: ACMG Guidelines, 2015. Collection method: clinical testing. Allele origin: germline. Affected: yes.

PreventionGenetics, part of Exact Sciences
Classification: Likely benign for PKD1-related condition. Last evaluated: 2024-08-20. Review status: no assertion criteria provided. Collection method: clinical testing. Allele origin: germline. Not counted in ClinVar's aggregate classification.
Comment: This variant is classified as likely benign based on ACMG/AMP sequence variant interpretation guidelines (Richards et al. 2015 PMID: 25741868, with internal and published modifications).